The following is an entry in ClinVar:

ClinVar aggregate classification (germline): Uncertain significance (1 of 4 stars; one submission).

Conditions:
Retinitis pigmentosa 12 (RP12). Also called: RP WITH OR WITHOUT PRESERVED PARAARTERIOLE RETINAL PIGMENT EPITHELIUM; RETINITIS PIGMENTOSA WITH OR WITHOUT PARAARTERIOLAR PRESERVATION OF RETINAL PIGMENT EPITHELIUM; RP WITH OR WITHOUT PPRPE. Identifiers: Orphanet 791, MedGen C1838647, MONDO:0010818, OMIM 600105.
Leber congenital amaurosis 8 (LCA8). Identifiers: Orphanet 65, MedGen C3151202, MONDO:0013453, OMIM 613835.

Submission:

Labcorp Genetics (formerly Invitae), Labcorp
Classification: Uncertain significance for Leber congenital amaurosis 8; Retinitis pigmentosa 12. Last evaluated: 2024-10-26. Review status: criteria provided, single submitter. Criteria: Invitae Variant Classification Sherloc (09022015). Collection method: clinical testing. Allele origin: germline.
Comment: This sequence change replaces cysteine, which is neutral and slightly polar, with arginine, which is basic and polar, at codon 259 of the CRB1 protein (p.Cys259Arg). This variant is not present in population databases (gnomAD no frequency). This variant has not been reported in the literature in individuals affected with CRB1-related conditions. ClinVar contains an entry for this variant (Variation ID: 2139317). Invitae Evidence Modeling of protein sequence and biophysical properties (such as structural, functional, and spatial information, amino acid conservation, physicochemical variation, residue mobility, and thermodynamic stability) indicates that this missense variant is expected to disrupt CRB1 protein function with a positive predictive value of 95%. In summary, the available evidence is currently insufficient to determine the role of this variant in disease. Therefore, it has been classified as a Variant of Uncertain Significance.

NM_201253.3(CRB1):c.775T>C (p.Cys259Arg)

Gene: CRB1 (crumbs cell polarity complex component 1; plus strand). Cytogenetic location: 1q31.3.
Variant type: single nucleotide variant.
Coding change: c.775T>C on transcript NM_201253.3 (MANE Select); coding-DNA position 775, T replaced by C.
Protein change: p.Cys259Arg; replaces cysteine 259 with arginine.
Molecular consequence: missense variant. On other transcripts: non-coding transcript variant (2), intron variant (1).
Genome position (GRCh38, 1-based): chr1:197,344,403, T>C. VCF-style: chr1-197344403-T-C. GRCh37 (hg19) VCF-style: chr1-197313533-T-C.
Other names: c.568T>C, p.Cys190Arg (NM_001257965.2); c.775T>C, p.Cys259Arg (NM_001257966.2); c.653-12428T>C (NM_001193640.2); short protein forms C190R, C259R.
Identifiers: ClinVar variation 2139317 (VCV002139317.4), dbSNP rs2527625967, ClinGen allele CA344083370.
Genomic context (GRCh38, chr1:197,344,403, plus strand): 5'-TGTCAGGATGCTCTGGGGGCCTATTTCTGCGACTGTGCCCCTGGATTCCTGGGGGATCAC[T>C]GTGAACTCAACACTGATGAGTGTGCCAGTCAACCTTGTCTCCATGGAGGGCTGTGTGTGG-3'
Protein context (NP_957705.1, residues 249-269): DCAPGFLGDH[Cys259Arg]ELNTDECASQ